The following is an entry in ClinVar:

NM_198576.4(AGRN):c.3316T>C (p.Tyr1106His)

Gene: AGRN (agrin; plus strand). Cytogenetic location: 1p36.33.
Variant type: single nucleotide variant.
Coding change: c.3316T>C on transcript NM_198576.4 (MANE Select); coding-DNA position 3316, T replaced by C.
Protein change: p.Tyr1106His; replaces tyrosine 1106 with histidine.
Molecular consequence: missense variant.
Genome position (GRCh38, 1-based): chr1:1,046,885, T>C. VCF-style: chr1-1046885-T-C. GRCh37 (hg19) VCF-style: chr1-982265-T-C.
Other names: c.3316T>C, p.Tyr1106His (NM_001305275.2); c.3001T>C, p.Tyr1001His (NM_001364727.2); short protein forms Y1106H, Y1001H.
Identifiers: ClinVar variation 2725856 (VCV002725856.3), dbSNP rs2522731153, ClinGen allele CA337848359.

ClinVar aggregate classification (germline): Uncertain significance (1 of 4 stars; one submission).

Conditions:
Congenital myasthenic syndrome 8. Also called: Myasthenic syndrome, congenital, 8, with pre- and postsynaptic defects; MYASTHENIC SYNDROME, CONGENITAL, DUE TO AGRIN DEFICIENCY. Identifiers: Orphanet 590, MedGen C3808739, MONDO:0014052, OMIM 615120.

Allele frequency attached by ClinVar (database versions not stated): gnomAD exomes below 0.00001.
gnomAD v4.1: 2 of 1,586,442 alleles (0.00013%); highest among the groups gnomAD compares: Non-Finnish European, 0.00017%; no homozygotes.

Submission:

Labcorp Genetics (formerly Invitae), Labcorp
Classification: Uncertain significance for Congenital myasthenic syndrome 8. Last evaluated: 2023-06-14. Review status: criteria provided, single submitter. Criteria: Invitae Variant Classification Sherloc (09022015). Collection method: clinical testing. Allele origin: germline.
Comment: In summary, the available evidence is currently insufficient to determine the role of this variant in disease. Therefore, it has been classified as a Variant of Uncertain Significance. An algorithm developed to predict the effect of missense changes on protein structure and function (PolyPhen-2) suggests that this variant is likely to be disruptive. This variant has not been reported in the literature in individuals affected with AGRN-related conditions. This variant is not present in population databases (gnomAD no frequency). This sequence change replaces tyrosine, which is neutral and polar, with histidine, which is basic and polar, at codon 1106 of the AGRN protein (p.Tyr1106His).